The following is an entry in ClinVar:

ClinVar aggregate classification (germline): Conflicting classifications of pathogenicity. Review status: criteria provided, conflicting classifications (1 of 4 stars). 2 submissions from 2 submitters: Uncertain significance (1); Likely benign (1). Last evaluated 2023-09-08.

Conditions:
Ataxia-telangiectasia syndrome (AT). Also called: Ataxia-telangiectasia, complementation group E; Ataxia-telangiectasia, complementation group D; Ataxia telangiectasia (A-T); LOUIS-BAR SYNDROME; ATAXIA-TELANGIECTASIA, COMPLEMENTATION GROUP A; ATAXIA-TELANGIECTASIA, FRESNO VARIANT. Identifiers: Orphanet 100, MedGen C0004135, MONDO:0008840, OMIM 208900.
Hereditary cancer-predisposing syndrome. Also called: Neoplastic Syndromes, Hereditary; Hereditary Cancer Syndrome; Tumor predisposition; Hereditary neoplastic syndrome. Identifiers: Orphanet 140162, MedGen C0027672, MeSH D009386, MONDO:0015356.

gnomAD v4.1: 3 of 1,613,346 alleles (0.00019%); highest among the groups gnomAD compares: South Asian, 0.0033%; no homozygotes.

Submissions (2):

Labcorp Genetics (formerly Invitae), Labcorp
Classification: Likely benign for Ataxia-telangiectasia syndrome. Last evaluated: 2023-09-08. Review status: criteria provided, single submitter. Criteria: Invitae Variant Classification Sherloc (09022015). Collection method: clinical testing. Allele origin: germline.

Ambry Genetics
Classification: Uncertain significance for Hereditary cancer-predisposing syndrome. Last evaluated: 2020-12-04. Review status: criteria provided, single submitter. Criteria: Ambry Variant Classification Scheme 2023. Collection method: clinical testing. Allele origin: germline.
Comment: The c.5188C>A variant (also known as p.R1730R), located in coding exon 34 of the ATM gene, results from a C to A substitution at nucleotide position 5188. This nucleotide substitution does not change the at codon 1730. This nucleotide position is well conserved in available vertebrate species. In silico splice site analysis predicts that this alteration may weaken the native splice acceptor site. Since supporting evidence is limited at this time, the clinical significance of this alteration remains unclear.

NM_000051.4(ATM):c.5188C>A (p.Arg1730=)

Gene: ATM (ATM serine/threonine kinase; plus strand). Cytogenetic location: 11q22.3.
Variant type: single nucleotide variant.
Coding change: c.5188C>A on transcript NM_000051.4 (MANE Select); coding-DNA position 5188, C replaced by A.
Protein change: p.Arg1730=; no amino-acid change (arginine 1730 retained).
Molecular consequence: synonymous variant.
Genome position (GRCh38, 1-based): chr11:108,301,658, C>A. VCF-style: chr11-108301658-C-A. GRCh37 (hg19) VCF-style: chr11-108172385-C-A.
Other names: c.5188C>A, p.Arg1730= (NM_001351834.2).
Identifiers: ClinVar variation 800147 (VCV000800147.13), dbSNP rs764389018, ClinGen allele CA476674755.
Genomic context (GRCh38, chr11:108,301,658, plus strand): 5'-CAAGATTAATAACTGGTGTACTTGATAGGCATTTGAATTGTTTTTTTCAGTGTCAAAGTT[C>A]GATCAGCAGCTGTTACCTGTTTGAAAAACATTTTAGCCACAAAGACTGGACATAGTTTCT-3'
Protein context (NP_000042.3, residues 1720-1740): NTLVEDCVKV[Arg1730=]SAAVTCLKNI